The following is an entry in ClinVar:

ClinVar aggregate classification (germline): Uncertain significance (1 of 4 stars; one submission).

Conditions:
Nemaline myopathy 2 (NEM2). Also called: Nemaline myopathy 2, autosomal recessive. Identifiers: MedGen C1850569, MONDO:0009725, OMIM 256030.

Allele frequency attached by ClinVar (database versions not stated): TOPMed below 0.00001; ExAC 0.00002.
gnomAD v4.1: 10 of 1,613,846 alleles (0.00062%); highest among the groups gnomAD compares: Middle Eastern, 0.016%; no homozygotes.

Submission:

Labcorp Genetics (formerly Invitae), Labcorp
Classification: Uncertain significance for Nemaline myopathy 2. Last evaluated: 2021-06-23. Review status: criteria provided, single submitter. Criteria: Invitae Variant Classification Sherloc (09022015). Collection method: clinical testing. Allele origin: germline.
Comment: This sequence change replaces valine with phenylalanine at codon 3890 of the NEB protein (p.Val3890Phe). The valine residue is moderately conserved and there is a small physicochemical difference between valine and phenylalanine. This variant is present in population databases (rs746179607, ExAC 0.003%). This variant has not been reported in the literature in individuals with NEB-related conditions. Algorithms developed to predict the effect of missense changes on protein structure and function are either unavailable or do not agree on the potential impact of this missense change (SIFT: "Deleterious"; PolyPhen-2: "Not Available"; Align-GVGD: "Class C0"). In summary, the available evidence is currently insufficient to determine the role of this variant in disease. Therefore, it has been classified as a Variant of Uncertain Significance.

NM_001164508.2(NEB):c.11668G>T (p.Val3890Phe)

Gene: NEB (nebulin; minus strand). Cytogenetic location: 2q23.3.
Variant type: single nucleotide variant.
Coding change: c.11668G>T on transcript NM_001164508.2 (MANE Select); coding-DNA position 11668, G replaced by T.
Protein change: p.Val3890Phe; replaces valine 3890 with phenylalanine.
Molecular consequence: missense variant.
Genome position (GRCh38, 1-based): chr2:151,612,323, C>A on the plus strand (G>T on the coding strand, the complement: NEB is on the minus strand). VCF-style: chr2-151612323-C-A. GRCh37 (hg19) VCF-style: chr2-152468837-C-A.
Other names: c.11668G>T, p.Val3890Phe (NM_001164507.2, NM_001271208.2); c.10939G>T, p.Val3647Phe (NM_004543.5); short protein forms V3647F, V3890F.
Identifiers: ClinVar variation 2057013 (VCV002057013.1), dbSNP rs746179607, ClinGen allele CA1908702.